The following is an entry in ClinVar:

ClinVar aggregate classification (germline): Likely pathogenic (1 of 4 stars; one submission).

Conditions:
Charcot-Marie-Tooth disease type 2. Also called: Charcot-Marie-Tooth type 2. Identifiers: Orphanet 64746, MedGen C0270914, MONDO:0018993.

Submission:

Labcorp Genetics (formerly Invitae), Labcorp
Classification: Likely pathogenic for Charcot-Marie-Tooth disease type 2. Last evaluated: 2024-04-15. Review status: criteria provided, single submitter. Criteria: Invitae Variant Classification Sherloc (09022015). Collection method: clinical testing. Allele origin: germline.
Comment: This sequence change affects a donor splice site in intron 2 of the LMNA gene. It is expected to disrupt RNA splicing. Variants that disrupt the donor or acceptor splice site typically lead to a loss of protein function (PMID: 16199547), and loss-of-function variants in LMNA are known to be pathogenic (PMID: 18585512, 18926329). This variant is not present in population databases (gnomAD no frequency). Disruption of this splice site has been observed in individual(s) with laminopathy (PMID: 34240052). ClinVar contains an entry for this variant (Variation ID: 1066391). Algorithms developed to predict the effect of sequence changes on RNA splicing suggest that this variant may disrupt the consensus splice site. In summary, the currently available evidence indicates that the variant is pathogenic, but additional data are needed to prove that conclusively. Therefore, this variant has been classified as Likely Pathogenic.

Literature cited by the submitters: PubMed 16199547; PubMed 18585512; PubMed 18926329; PubMed 34240052.

NM_170707.4(LMNA):c.513+2T>C

Genes: LMNA (lamin A/C; plus strand), LOC126805877 (MED14-independent group 3 enhancer GRCh37_chr1:156099693-156100892; plus strand). Cytogenetic location: 1q22.
Variant type: single nucleotide variant.
Coding change: c.513+2T>C on transcript NM_170707.4 (MANE Select); the canonical splice donor site of the intron after coding-DNA position 513, T replaced by C.
Molecular consequence: splice donor variant. On other transcripts: intron variant (4).
Genome position (GRCh38, 1-based): chr1:156,130,775, T>C. VCF-style: chr1-156130775-T-C. GRCh37 (hg19) VCF-style: chr1-156100566-T-C.
Other names: c.513+2T>C (NM_001406983.1, NM_001282625.2, NM_001406984.1 and 6 more transcripts); c.-45-3628T>C (NM_001407002.1, NM_001406995.1, NM_001406990.1); c.-46+2T>C (NM_001406993.1, NM_001407003.1, NM_001406996.1 and 1 more transcripts); c.-152+2T>C (NM_001406999.1, NM_001407000.1, NM_001406994.1); c.270+2T>C (NM_001406986.1, NM_001406987.1, NM_001282624.2); c.-151-3628T>C (NM_001407001.1); c.177+2T>C (NM_001406989.1, NM_001257374.3, NM_001406998.1); c.216+2T>C (NM_001406988.1).
Identifiers: ClinVar variation 1066391 (VCV001066391.9), dbSNP rs1553264668, ClinGen allele CA342815748.